The following is an entry in ClinVar:

ClinVar aggregate classification (germline): Likely benign (1 of 4 stars; one submission).

Allele frequency attached by ClinVar (database versions not stated): ExAC 0.00008; ESP Exome Variant Server 0.00008; gnomAD 0.00010; gnomAD exomes 0.00013; 1000 Genomes Project 30x 0.00016; TOPMed 0.00019; 1000 Genomes Project 0.00020.
gnomAD v4.1: 209 of 1,613,662 alleles (0.013%); highest among the groups gnomAD compares: Middle Eastern, 0.082%; no homozygotes.

Submission:

CeGaT Center for Human Genetics Tuebingen
Classification: Likely benign. Last evaluated: 2023-03-01. Review status: criteria provided, single submitter. Criteria: CeGaT Center For Human Genetics Tuebingen Variant Classification Criteria Version 2. Collection method: clinical testing. Allele origin: germline. Affected: yes. Observed: 1 variant allele.
Comment: OPTC: BP4, BP7

NM_014359.4(OPTC):c.858C>T (p.Asp286=)

Gene: OPTC (opticin; plus strand). Cytogenetic location: 1q32.1.
Variant type: single nucleotide variant.
Coding change: c.858C>T on transcript NM_014359.4 (MANE Select); coding-DNA position 858, C replaced by T.
Protein change: p.Asp286=; no amino-acid change (aspartic acid 286 retained).
Molecular consequence: synonymous variant.
Genome position (GRCh38, 1-based): chr1:203,503,579, C>T. VCF-style: chr1-203503579-C-T. GRCh37 (hg19) VCF-style: chr1-203472707-C-T.
Identifiers: ClinVar variation 2639818 (VCV002639818.24), dbSNP rs140640370, ClinGen allele CA1341216.